The following is an entry in ClinVar:

NM_001276270.2(MBD4):c.1132C>T (p.Arg378Cys)

Gene: MBD4 (methyl-CpG binding domain 4, DNA glycosylase; minus strand). Cytogenetic location: 3q21.3.
Variant type: single nucleotide variant.
Coding change: c.1132C>T on transcript NM_001276270.2 (MANE Select); coding-DNA position 1132, C replaced by T.
Protein change: p.Arg378Cys; replaces arginine 378 with cysteine.
Molecular consequence: missense variant. On other transcripts: intron variant (1).
Genome position (GRCh38, 1-based): chr3:129,436,512, G>A on the plus strand (C>T on the coding strand, the complement: MBD4 is on the minus strand). VCF-style: chr3-129436512-G-A. GRCh37 (hg19) VCF-style: chr3-129155355-G-A.
Other names: c.1132C>T, p.Arg378Cys (NM_001276271.2, NM_001276272.2, NM_003925.3); c.247+1296C>T (NM_001276273.2); short protein forms R378C.
Identifiers: ClinVar variation 2705203 (VCV002705203.4), dbSNP rs149311534, ClinGen allele CA2605413.

ClinVar aggregate classification (germline): Conflicting classifications of pathogenicity. Review status: criteria provided, conflicting classifications (1 of 4 stars). 2 submissions from 2 submitters: Uncertain significance (1); Likely benign (1). Last evaluated 2026-01-24.

Conditions:
Inborn genetic diseases. Identifiers: MedGen C0950123, MeSH D030342.

Allele frequency attached by ClinVar (database versions not stated): 1000 Genomes Project 30x 0.00031; TOPMed 0.00003; ExAC 0.00006; gnomAD exomes 0.00011; gnomAD 0.00005; 1000 Genomes Project 0.00040.

Submissions (2):

Labcorp Genetics (formerly Invitae), Labcorp
Classification: Uncertain significance. Last evaluated: 2026-01-24. Review status: criteria provided, single submitter. Criteria: Invitae Variant Classification Sherloc (09022015). Collection method: clinical testing. Allele origin: germline.
Comment: This sequence change replaces arginine, which is basic and polar, with cysteine, which is neutral and slightly polar, at codon 378 of the MBD4 protein (p.Arg378Cys). This variant is present in population databases (rs149311534, gnomAD 0.05%). This variant has not been reported in the literature in individuals affected with MBD4-related conditions. ClinVar contains an entry for this variant (Variation ID: 2705203). An algorithm developed to predict the effect of missense changes on protein structure and function outputs the following: PolyPhen-2: "Benign". The cysteine amino acid residue is found in multiple mammalian species, which suggests that this missense change does not adversely affect protein function. In summary, the available evidence is currently insufficient to determine the role of this variant in disease. Therefore, it has been classified as a Variant of Uncertain Significance.

Ambry Genetics
Classification: Likely benign for Inborn genetic diseases. Last evaluated: 2024-10-17. Review status: criteria provided, single submitter. Criteria: Ambry Variant Classification Scheme 2023. Collection method: clinical testing. Allele origin: germline.